The following is an entry in ClinVar:

NM_001987.5(ETV6):c.58C>G (p.Pro20Ala)

Gene: ETV6 (ETS variant transcription factor 6; plus strand). Cytogenetic location: 12p13.2.
Variant type: single nucleotide variant.
Coding change: c.58C>G on transcript NM_001987.5 (MANE Select); coding-DNA position 58, C replaced by G.
Protein change: p.Pro20Ala; replaces proline 20 with alanine.
Molecular consequence: missense variant. On other transcripts: intron variant (1).
Genome position (GRCh38, 1-based): chr12:11,752,474, C>G. VCF-style: chr12-11752474-C-G. GRCh37 (hg19) VCF-style: chr12-11905408-C-G.
Other names: c.55C>G, p.Pro19Ala (NM_001413913.1); c.31C>G, p.Pro11Ala (NM_001413914.1); c.58C>G, p.Pro20Ala (NM_001413916.1, NM_001413917.1, NM_001413918.1); c.-101-86666C>G (NM_001413915.1); short protein forms P20A, P11A, P19A.
Identifiers: ClinVar variation 5036182 (VCV005036182.1).

ClinVar aggregate classification (germline): Uncertain significance (1 of 4 stars; one submission).

Conditions:
Inborn genetic diseases. Identifiers: MedGen C0950123, MeSH D030342.

gnomAD v4.1: 1 of 1,613,832 alleles (0.000062%); highest among the groups gnomAD compares: South Asian, 0.0011%; no homozygotes.

Submission:

Ambry Genetics
Classification: Uncertain significance for Inborn genetic diseases. Last evaluated: 2026-07-06. Review status: criteria provided, single submitter. Criteria: Ambry Variant Classification Scheme 2023. Collection method: clinical testing. Allele origin: germline.
Comment: The p.P20A variant (also known as c.58C>G), located in coding exon 2 of the ETV6 gene, results from a C to G substitution at nucleotide position 58. The proline at codon 20 is replaced by alanine, an amino acid with highly similar properties. This amino acid position is conserved. In addition, this alteration is predicted to be tolerated by in silico analysis. Based on the available evidence, the clinical significance of this variant remains unclear.